The following is an entry in ClinVar:

NM_002878.4(RAD51D):c.243C>T (p.Ile81=)

Genes: RAD51D (RAD51 paralog D; minus strand), RAD51L3-RFFL (RAD51L3-RFFL readthrough; minus strand). Cytogenetic location: 17q12.
Variant type: single nucleotide variant.
Coding change: c.243C>T on transcript NM_002878.4 (MANE Select); coding-DNA position 243, C replaced by T.
Protein change: p.Ile81=; no amino-acid change (isoleucine 81 retained).
Molecular consequence: synonymous variant. On other transcripts: intron variant (2).
Genome position (GRCh38, 1-based): chr17:35,118,521, G>A on the plus strand (C>T on the coding strand, the complement: RAD51D is on the minus strand). VCF-style: chr17-35118521-G-A. GRCh37 (hg19) VCF-style: chr17-33445540-G-A.
Other names: c.144+590C>T (NM_133629.3, NM_001142571.2).
Identifiers: ClinVar variation 743923 (VCV000743923.13), dbSNP rs1483056988, ClinGen allele CA625550552.

ClinVar aggregate classification (germline): Benign/Likely benign. Review status: criteria provided, multiple submitters, no conflicts (2 of 4 stars). 4 submissions from 4 submitters: Benign (1); Likely benign (3). Last evaluated 2025-02-20.

Conditions:
Breast-ovarian cancer, familial, susceptibility to, 4. Identifiers: Orphanet 145, MedGen C3280345, MONDO:0013669, OMIM 614291.
Hereditary cancer-predisposing syndrome. Also called: Neoplastic Syndromes, Hereditary; Hereditary Cancer Syndrome; Tumor predisposition; Hereditary neoplastic syndrome. Identifiers: Orphanet 140162, MedGen C0027672, MeSH D009386, MONDO:0015356.

Allele frequency attached by ClinVar (database versions not stated): gnomAD exomes below 0.00001.

Submissions (4):

Myriad Genetics, Inc.
Classification: Benign for Breast-ovarian cancer, familial, susceptibility to, 4. Last evaluated: 2025-02-20. Review status: criteria provided, single submitter. Criteria: Myriad Autosomal Dominant, Autosomal Recessive and X-Linked Classification Criteria (2023). Collection method: clinical testing. Allele origin: unknown.
Comment: This variant is considered benign. This variant is a silent/synonymous amino acid change and it is not expected to impact splicing.

Labcorp Genetics (formerly Invitae), Labcorp
Classification: Likely benign for Breast-ovarian cancer, familial, susceptibility to, 4. Last evaluated: 2024-03-07. Review status: criteria provided, single submitter. Criteria: Invitae Variant Classification Sherloc (09022015). Collection method: clinical testing. Allele origin: germline.

Ambry Genetics
Classification: Likely benign for Hereditary cancer-predisposing syndrome. Last evaluated: 2023-04-28. Review status: criteria provided, single submitter. Criteria: Ambry Variant Classification Scheme 2023. Collection method: clinical testing. Allele origin: germline.

Color Diagnostics, LLC DBA Color Health
Classification: Likely benign for Hereditary cancer-predisposing syndrome. Last evaluated: 2018-10-19. Review status: criteria provided, single submitter. Criteria: ACMG Guidelines, 2015. Collection method: clinical testing. Allele origin: germline.